The following is an entry in ClinVar:

NM_032043.3(BRIP1):c.1794+2T>A

Gene: BRIP1 (BRCA1 interacting DNA helicase 1; minus strand). Cytogenetic location: 17q23.2.
Variant type: single nucleotide variant.
Coding change: c.1794+2T>A on transcript NM_032043.3 (MANE Select); the canonical splice donor site of the intron after coding-DNA position 1794, T replaced by A.
Molecular consequence: splice donor variant.
Genome position (GRCh38, 1-based): chr17:61,780,838, A>T on the plus strand (T>A on the coding strand, the complement: BRIP1 is on the minus strand). VCF-style: chr17-61780838-A-T. GRCh37 (hg19) VCF-style: chr17-59858199-A-T.
Identifiers: ClinVar variation 1780227 (VCV001780227.3), dbSNP rs2545026298, ClinGen allele CA400480242.

ClinVar aggregate classification (germline): Likely pathogenic. Review status: criteria provided, multiple submitters, no conflicts (2 of 4 stars). 2 submissions from 2 submitters: Likely pathogenic (2). Last evaluated 2024-09-26.

Conditions:
Hereditary cancer-predisposing syndrome. Also called: Neoplastic Syndromes, Hereditary; Tumor predisposition; Hereditary Cancer Syndrome; Hereditary neoplastic syndrome. Identifiers: Orphanet 140162, MedGen C0027672, MeSH D009386, MONDO:0015356.

Submissions (2):

Molecular Diagnostics Laboratory, Catalan Institute of Oncology
Classification: Likely pathogenic for Hereditary cancer-predisposing syndrome. Last evaluated: 2024-09-26. Review status: criteria provided, single submitter. Criteria: ACMG Guidelines, 2015. Collection method: clinical testing. Allele origin: germline.
Comment: PVS1, PM2_Supporting c.1794+2T>A, located in a canonic splicing site of the BRIP1 gene, is predicted to alter splicing. The SpliceAI algorithm predicts the loss of the natural splice donor site and the activation of a cryptic donor site that may result in the creation or strengthening of a novel splice donor site that would cause the insertion of the last 10 nucleotides of intron 12, causing an out of frame, p.(Ala599Phefs*9) (removes >10% protein, helicase domain). This alteration is expected to result in loss of function by premature protein truncation and nonsense-mediated mRNA decay (PVS1).It is not present in the population database gnomAD v2.1.1, non cancer dataset (PM2_supporting). To our knowledge, neither clinical data nor functional studies have been reported for this variant. This variant has been identified in individuals affected with breast and ovarian cancer (internal data). This variant has only been reported once in ClinVar database as likely pathogenic. It has not been identified in LOVD database. Based on currently available information, the variant c.1794+2T>A should be considered a likely pathogenic variant.

Ambry Genetics
Classification: Likely pathogenic for Hereditary cancer-predisposing syndrome. Last evaluated: 2021-03-12. Review status: criteria provided, single submitter. Criteria: Ambry Variant Classification Scheme 2023. Collection method: clinical testing. Allele origin: germline.
Comment: The c.1794+2T>A intronic variant results from a T to A substitution two nucleotides after coding exon 11 in the BRIP1 gene. This nucleotide position is highly conserved in available vertebrate species. In silico splice site analysis predicts that this alteration will weaken the native splice donor site and may result in the creation or strengthening of a novel splice donor site. Alterations that disrupt the canonical splice site are expected to cause aberrant splicing, resulting in an abnormal protein or a transcript that is subject to nonsense-mediated mRNA decay. As such, this alteration is classified as likely pathogenic.